The following is an entry in ClinVar:

NM_002336.3(LRP6):c.646C>T (p.Arg216Trp)

Gene: LRP6 (LDL receptor related protein 6; minus strand). Cytogenetic location: 12p13.2.
Variant type: single nucleotide variant.
Coding change: c.646C>T on transcript NM_002336.3 (MANE Select); coding-DNA position 646, C replaced by T.
Protein change: p.Arg216Trp; replaces arginine 216 with tryptophan.
Molecular consequence: missense variant.
Genome position (GRCh38, 1-based): chr12:12,203,204, G>A on the plus strand (C>T on the coding strand, the complement: LRP6 is on the minus strand). VCF-style: chr12-12203204-G-A. GRCh37 (hg19) VCF-style: chr12-12356138-G-A.
Other names: short protein forms R216W.
Identifiers: ClinVar variation 1695744 (VCV001695744.2), dbSNP rs1191476967, ClinGen allele CA383956130.
Genomic context (GRCh38, chr12:12,203,204, plus strand): 5'-AATGTATCAAGGCTTCATCGAGTTTTCTTAAAAGTTTTTTCTAATTCTTGTAATCTTACC[G>A]ATTTGTTCCATCCAGATTTGATTTGTGGATGAAATTAAGTTTTGCATCTGCCCAATAAAG-3'
Protein context (NP_002327.2, residues 206-226): IHKSNLDGTN[Arg216Trp]QAVVKGSLPH

ClinVar aggregate classification (germline): Uncertain significance (1 of 4 stars; one submission).

Allele frequency attached by ClinVar (database versions not stated): gnomAD exomes below 0.00001.

Submission:

GeneDx
Classification: Uncertain significance. Last evaluated: 2022-01-04. Review status: criteria provided, single submitter. Criteria: GeneDx Variant Classification Process June 2021. Collection method: clinical testing. Allele origin: germline. Affected: yes.
Comment: Has not been previously published as pathogenic or benign to our knowledge; In silico analysis supports that this missense variant has a deleterious effect on protein structure/function; Not observed at significant frequency in large population cohorts (gnomAD)